The following is an entry in ClinVar:

ClinVar aggregate classification (germline): Uncertain significance. Review status: criteria provided, multiple submitters, no conflicts (2 of 4 stars). 5 submissions from 5 submitters: Uncertain significance (4). 1 of the submissions does not count toward it. Last evaluated 2025-08-08.

Conditions:
Age related macular degeneration 1 (ARMD1). Also called: MACULOPATHY, AGE-RELATED, 1. Identifiers: MedGen C1864205, MONDO:0011285, OMIM 603075.

Allele frequency attached by ClinVar (database versions not stated): gnomAD 0.00001 and 0.00002; ExAC 0.00002; TOPMed 0.00002; gnomAD exomes 0.00003 and 0.00006; 1000 Genomes Project 0.00020; 1000 Genomes Project 30x 0.00031.
gnomAD v4.1: 86 of 1,614,146 alleles (0.0053%); highest among the groups gnomAD compares: South Asian, 0.014%; no homozygotes.

Submissions (5):

Labcorp Genetics (formerly Invitae), Labcorp
Classification: Uncertain significance. Last evaluated: 2025-08-08. Review status: criteria provided, single submitter. Criteria: Invitae Variant Classification Sherloc (09022015). Collection method: clinical testing. Allele origin: germline.
Comment: This sequence change replaces arginine, which is basic and polar, with tryptophan, which is neutral and slightly polar, at codon 5026 of the HMCN1 protein (p.Arg5026Trp). This variant is present in population databases (rs536701183, gnomAD 0.01%). This variant has not been reported in the literature in individuals affected with HMCN1-related conditions. ClinVar contains an entry for this variant (Variation ID: 876899). An algorithm developed to predict the effect of missense changes on protein structure and function (PolyPhen-2) suggests that this variant is likely to be disruptive. In summary, the available evidence is currently insufficient to determine the role of this variant in disease. Therefore, it has been classified as a Variant of Uncertain Significance.

Ambry Genetics
Classification: Uncertain significance. Last evaluated: 2025-05-18. Review status: criteria provided, single submitter. Criteria: Ambry Variant Classification Scheme 2023. Collection method: clinical testing. Allele origin: germline.

Genome-Nilou Lab
Classification: Uncertain significance for Age related macular degeneration 1. Last evaluated: 2023-04-11. Review status: criteria provided, single submitter. Criteria: ACMG Guidelines, 2015. Collection method: clinical testing. Allele origin: germline. Affected: no.

Illumina Laboratory Services, Illumina
Classification: Uncertain significance for Age related macular degeneration 1. Last evaluated: 2018-01-13. Review status: criteria provided, single submitter. Criteria: ICSL Variant Classification Criteria 13 December 2019. Collection method: clinical testing. Allele origin: germline.

Department of Pathology and Laboratory Medicine, Sinai Health System
Classification: Uncertain significance. Review status: no assertion criteria provided. Collection method: clinical testing. Allele origin: unknown. Affected: yes. Study: The Canadian Open Genetics Repository (COGR). Not counted in ClinVar's aggregate classification.
Comment: The HMCN1 p.(Arg5026Trp) variant was not identified in the literature nor was it identified in the ClinVar, COGR, MutDB, or LOVD 3.0 databases. The variant was identified in dbSNP (ID: rs536701183) and in Cosmic, as a somatic mutation in prostate tumour tissue. The variant was identified in control databases in 10 of 282622 chromosomes at a frequency of 0.000035 (Genome Aggregation Database Feb 27, 2017). The variant was observed in the following populations: Other in 2 of 7218 chromosomes (freq: 0.000277), South Asian in 4 of 30616 chromosomes (freq: 0.000131), East Asian in 2 of 19930 chromosomes (freq: 0.0001) and European (non-Finnish) in 2 of 128980 chromosomes (freq: 0.000016); it was not observed in the African, Latino, Ashkenazi Jewish, and European (Finnish) populations. The p.Arg5026 residue is highly conserved in mammals and other organisms, and computational analyses (PolyPhen-2, SIFT, AlignGVGD, BLOSUM, MutationTaster) suggest that the p.Arg5026 variant may impact the protein. In summary, based on the above information the clinical significance of this variant cannot be determined with certainty at this time. This variant is classified as a variant of uncertain significance.

NM_031935.3(HMCN1):c.15076C>T (p.Arg5026Trp)

Gene: HMCN1 (hemicentin 1; plus strand). Cytogenetic location: 1q31.1.
Variant type: single nucleotide variant.
Coding change: c.15076C>T on transcript NM_031935.3 (MANE Select); coding-DNA position 15076, C replaced by T.
Protein change: p.Arg5026Trp; replaces arginine 5026 with tryptophan.
Molecular consequence: missense variant.
Genome position (GRCh38, 1-based): chr1:186,153,807, C>T. VCF-style: chr1-186153807-C-T. GRCh37 (hg19) VCF-style: chr1-186122939-C-T.
Other names: short protein forms R5026W.
Identifiers: ClinVar variation 876899 (VCV000876899.14), dbSNP rs536701183, ClinGen allele CA1295149.
Genomic context (GRCh38, chr1:186,153,807, plus strand): 5'-TAGGATTACACAGAGGACTACATTCAAACAGGTCCTGGGCAGCTGTACGCCTACTCAACC[C>T]GGCTGTTCACCATTGATGGCATCAGCATCCCATACACATGGAACCACACCGTTTTCTATG-3'
Protein context (NP_114141.2, residues 5016-5036): GPGQLYAYST[Arg5026Trp]LFTIDGISIP